The following is an entry in ClinVar:

NM_007186.6(CEP250):c.6907-2A>G

Gene: CEP250 (centrosomal protein 250; plus strand). Cytogenetic location: 20q11.22.
Variant type: single nucleotide variant.
Coding change: c.6907-2A>G on transcript NM_007186.6 (MANE Select); the canonical splice acceptor site of the intron before coding-DNA position 6907, A replaced by G.
Molecular consequence: splice acceptor variant.
Genome position (GRCh38, 1-based): chr20:35,508,941, A>G. VCF-style: chr20-35508941-A-G. GRCh37 (hg19) VCF-style: chr20-34096770-A-G.
Other names: c.5011-2A>G (NM_001318219.1).
Identifiers: ClinVar variation 2127281 (VCV002127281.4), dbSNP rs747079903, ClinGen allele CA9834191.

ClinVar aggregate classification (germline): Likely pathogenic (1 of 4 stars; one submission).

Allele frequency attached by ClinVar (database versions not stated): gnomAD exomes below 0.00001.
gnomAD v4.1: 4 of 1,552,048 alleles (0.00026%); highest among the groups gnomAD compares: East Asian, 0.0073%; no homozygotes.

Submission:

Labcorp Genetics (formerly Invitae), Labcorp
Classification: Likely pathogenic. Last evaluated: 2022-11-22. Review status: criteria provided, single submitter. Criteria: Invitae Variant Classification Sherloc (09022015). Collection method: clinical testing. Allele origin: germline.
Comment: This sequence change affects an acceptor splice site in intron 32 of the CEP250 gene. It is expected to disrupt RNA splicing. Variants that disrupt the donor or acceptor splice site typically lead to a loss of protein function (PMID: 16199547), and loss-of-function variants in CEP250 are known to be pathogenic (PMID: 24780881, 29718797). This variant is present in population databases (rs747079903, gnomAD 0.04%). In summary, the currently available evidence indicates that the variant is pathogenic, but additional data are needed to prove that conclusively. Therefore, this variant has been classified as Likely Pathogenic. Algorithms developed to predict the effect of sequence changes on RNA splicing suggest that this variant may disrupt the consensus splice site. This variant has not been reported in the literature in individuals affected with CEP250-related conditions.

Literature cited by the submitters: PubMed 16199547; PubMed 24780881; PubMed 29718797.